The following is an entry in ClinVar:

ClinVar aggregate classification (germline): Uncertain significance (1 of 4 stars; one submission).

Submission:

Labcorp Genetics (formerly Invitae), Labcorp
Classification: Uncertain significance. Last evaluated: 2025-11-12. Review status: criteria provided, single submitter. Criteria: Invitae Variant Classification Sherloc (09022015). Collection method: clinical testing. Allele origin: germline.
Comment: This sequence change replaces glycine, which is neutral and non-polar, with arginine, which is basic and polar, at codon 679 of the ASXL1 protein (p.Gly679Arg). This variant is not present in population databases (gnomAD no frequency). This variant has not been reported in the literature in individuals affected with ASXL1-related conditions. An algorithm developed to predict the effect of missense changes on protein structure and function (PolyPhen-2) suggests that this variant is likely to be disruptive. In summary, the available evidence is currently insufficient to determine the role of this variant in disease. Therefore, it has been classified as a Variant of Uncertain Significance.

NM_015338.6(ASXL1):c.2035G>A (p.Gly679Arg)

Gene: ASXL1 (ASXL transcriptional regulator 1; plus strand). Cytogenetic location: 20q11.21.
Variant type: single nucleotide variant.
Coding change: c.2035G>A on transcript NM_015338.6 (MANE Select); coding-DNA position 2035, G replaced by A.
Protein change: p.Gly679Arg; replaces glycine 679 with arginine.
Molecular consequence: missense variant.
Genome position (GRCh38, 1-based): chr20:32,434,747, G>A. VCF-style: chr20-32434747-G-A. GRCh37 (hg19) VCF-style: chr20-31022550-G-A.
Other names: c.1852G>A, p.Gly618Arg (NM_001363734.1); short protein forms G618R, G679R.
Identifiers: ClinVar variation 4730378 (VCV004730378.1).